The following is an entry in ClinVar:

NM_201384.3(PLEC):c.10960G>A (p.Glu3654Lys)

Gene: PLEC (plectin; minus strand). Cytogenetic location: 8q24.3.
Variant type: single nucleotide variant.
Coding change: c.10960G>A on transcript NM_201384.3 (MANE Select); coding-DNA position 10960, G replaced by A.
Protein change: p.Glu3654Lys; replaces glutamic acid 3654 with lysine.
Molecular consequence: missense variant.
Genome position (GRCh38, 1-based): chr8:143,918,861, C>T on the plus strand (G>A on the coding strand, the complement: PLEC is on the minus strand). VCF-style: chr8-143918861-C-T. GRCh37 (hg19) VCF-style: chr8-144993029-C-T.
Other names: c.11041G>A, p.Glu3681Lys (NM_000445.5); c.10918G>A, p.Glu3640Lys (NM_201378.4); c.10894G>A, p.Glu3632Lys (NM_201379.3); c.11371G>A, p.Glu3791Lys (NM_201380.4); c.10864G>A, p.Glu3622Lys (NM_201381.3); c.10960G>A, p.Glu3654Lys (NM_201382.4); c.10972G>A, p.Glu3658Lys (NM_201383.3); short protein forms E3622K, E3640K, E3658K, E3632K, E3654K, E3681K, E3791K.
Identifiers: ClinVar variation 658044 (VCV000658044.9), dbSNP rs201100252, ClinGen allele CA4924479.

ClinVar aggregate classification (germline): Uncertain significance (1 of 4 stars; one submission).

Conditions:
Epidermolysis bullosa simplex 5C, with pyloric atresia (EBS5C). Also called: Epidermolysis bullosa simplex with pyloric atresia; PLEC-Related Epidermolysis Bullosa with Pyloric Atresia; PLEC1-Related Epidermolysis Bullosa with Pyloric Atresia. Identifiers: Orphanet 158684, MedGen C2677349, MONDO:0012807, OMIM 612138.
Epidermolysis bullosa simplex 5B, with muscular dystrophy (EBS5B). Also called: Epidermolysis bullosa simplex with muscular dystrophy; EPIDERMOLYSIS BULLOSA SIMPLEX AND LIMB-GIRDLE MUSCULAR DYSTROPHY. Identifiers: Orphanet 257, MedGen C2931072, MONDO:0009181, OMIM 226670.
Epidermolysis bullosa simplex, Ogna type (EBS5A). Also called: Pidermolysis bullosa simplex 5A, Ogna type; EPIDERMOLYSIS BULLOSA SIMPLEX 5A, OGNA TYPE. Identifiers: Orphanet 79401, MedGen C0432317, MONDO:0007555, OMIM 131950.
Epidermolysis bullosa simplex with nail dystrophy (EBS5D). Identifiers: MedGen C4225309, MONDO:0014661, OMIM 616487.
Autosomal recessive limb-girdle muscular dystrophy type 2Q (LGMDR17). Also called: MUSCULAR DYSTROPHY, LIMB-GIRDLE, AUTOSOMAL RECESSIVE 17. Identifiers: Orphanet 254361, MedGen C3150989, MONDO:0013390, OMIM 613723.

Allele frequency attached by ClinVar (database versions not stated): gnomAD 0.00003 and 0.00007; gnomAD exomes 0.00004 and 0.00008; ExAC 0.00006; TOPMed 0.00006; 1000 Genomes Project 30x 0.00047; 1000 Genomes Project 0.00060.
gnomAD v4.1: 128 of 1,612,894 alleles (0.0079%); highest among the groups gnomAD compares: East Asian, 0.21%; 2 homozygotes.

Submission:

Labcorp Genetics (formerly Invitae), Labcorp
Classification: Uncertain significance for Autosomal recessive limb-girdle muscular dystrophy type 2Q; Epidermolysis bullosa simplex, Ogna type; Epidermolysis bullosa simplex with nail dystrophy; Epidermolysis bullosa simplex 5C, with pyloric atresia; Epidermolysis bullosa simplex 5B, with muscular dystrophy. Last evaluated: 2024-10-29. Review status: criteria provided, single submitter. Criteria: Invitae Variant Classification Sherloc (09022015). Collection method: clinical testing. Allele origin: germline.
Comment: This sequence change replaces glutamic acid, which is acidic and polar, with lysine, which is basic and polar, at codon 3681 of the PLEC protein (p.Glu3681Lys). This variant is present in population databases (rs201100252, gnomAD 0.02%). This variant has not been reported in the literature in individuals affected with PLEC-related conditions. ClinVar contains an entry for this variant (Variation ID: 658044). An algorithm developed to predict the effect of missense changes on protein structure and function (PolyPhen-2) suggests that this variant is likely to be disruptive. In summary, the available evidence is currently insufficient to determine the role of this variant in disease. Therefore, it has been classified as a Variant of Uncertain Significance.